The following is an entry in ClinVar:

ClinVar aggregate classification (germline): Pathogenic (1 of 4 stars; one submission).

Conditions:
Melnick-Fraser syndrome (BOR). Also called: Branchio-oto-renal syndrome; Branchiootorenal Syndrome (BORS); Branchiootorenal syndrome. Identifiers: Orphanet 107, MedGen C0265234, MONDO:0007029.

Submission:

Labcorp Genetics (formerly Invitae), Labcorp
Classification: Pathogenic for Melnick-Fraser syndrome. Last evaluated: 2017-11-04. Review status: criteria provided, single submitter. Criteria: Invitae Variant Classification Sherloc (09022015). Collection method: clinical testing. Allele origin: germline.
Comment: For these reasons, this variant has been classified as Pathogenic. Loss-of-function variants in EYA1 are known to be pathogenic (PMID: 18220287). This variant has not been reported in the literature in individuals with EYA1-related disease. This variant is not present in population databases (ExAC no frequency). This sequence change creates a premature translational stop signal (p.Glu443Aspfs*8) in the EYA1 gene. It is expected to result in an absent or disrupted protein product.

Literature cited by the submitters: PubMed 18220287.

NM_000503.6(EYA1):c.1329_1330del (p.Glu443fs)

Gene: EYA1 (EYA transcriptional coactivator and phosphatase 1; minus strand). Cytogenetic location: 8q13.3.
Variant type: Microsatellite.
Coding change: c.1329_1330del on transcript NM_000503.6 (MANE Select); coding-DNA positions 1329 to 1330, 2 bases deleted (GA; older notation c.1329_1330delGA).
Protein change: p.Glu443fs; shifts the reading frame from glutamic acid 443.
Molecular consequence: frameshift variant.
Genome position (GRCh38, 1-based): chr8:71,216,722-71,216,723, TC deleted on the plus strand (GA on the coding strand, the reverse complement: EYA1 is on the minus strand); deleting any 2 consecutive bases within chr8:71,216,722-71,216,726 gives the same sequence; the c. name uses the placement nearest the transcript's 3' end. VCF-style (leftmost placement, unchanged base first): chr8-71216721-ATC-A. GRCh37 (hg19) VCF-style: chr8-72128956-ATC-A.
Other names: c.1311_1312del, p.Glu437fs (NM_001288574.2, NM_172059.5); c.963_964del, p.Glu321fs (NM_001288575.2); c.1416_1417del, p.Glu472fs (NM_001370333.1); c.1329_1330del, p.Glu443fs (NM_001370334.1, NM_001370335.1, NM_172058.4); c.1308_1309del, p.Glu436fs (NM_001370336.1); short protein forms E472fs, E437fs, E321fs, E436fs, E443fs.
Identifiers: ClinVar variation 528876 (VCV000528876.8), dbSNP rs1554596461, ClinGen allele CA658797115.